The following is an entry in ClinVar:

ClinVar aggregate classification (germline): Uncertain significance. Review status: criteria provided, multiple submitters, no conflicts (2 of 4 stars). 2 submissions from 2 submitters: Uncertain significance (2). Last evaluated 2020-03-05.

Conditions:
Hereditary motor and sensory neuropathy, Okinawa type (HMSNO). Also called: HEREDITARY MOTOR AND SENSORY NEUROPATHY, PROXIMAL TYPE. Identifiers: Orphanet 90117, MedGen C1858338, MONDO:0011468, OMIM 604484.
Hereditary spastic paraplegia 57. Also called: Spastic paraplegia 57, autosomal recessive. Identifiers: Orphanet 431329, MedGen C3714897, MONDO:0014295, OMIM 615658.
Inborn genetic diseases. Identifiers: MedGen C0950123, MeSH D030342.

Submissions (2):

Labcorp Genetics (formerly Invitae), Labcorp
Classification: Uncertain significance for Hereditary motor and sensory neuropathy, Okinawa type; Hereditary spastic paraplegia 57. Last evaluated: 2020-03-05. Review status: criteria provided, single submitter. Criteria: Invitae Variant Classification Sherloc (09022015). Collection method: clinical testing. Allele origin: germline.
Comment: This sequence change replaces isoleucine with valine at codon 12 of the TFG protein (p.Ile12Val). The isoleucine residue is highly conserved and there is a small physicochemical difference between isoleucine and valine. This variant is not present in population databases (ExAC no frequency). This variant has not been reported in the literature in individuals with TFG-related conditions. Algorithms developed to predict the effect of missense changes on protein structure and function (SIFT, PolyPhen-2, Align-GVGD) all suggest that this variant is likely to be disruptive, but these predictions have not been confirmed by published functional studies and their clinical significance is uncertain. In summary, the available evidence is currently insufficient to determine the role of this variant in disease. Therefore, it has been classified as a Variant of Uncertain Significance.

Ambry Genetics
Classification: Uncertain significance for Inborn genetic diseases. Last evaluated: 2020-01-30. Review status: criteria provided, single submitter. Criteria: Ambry Variant Classification Scheme 2023. Collection method: clinical testing. Allele origin: germline.
Comment: The p.I12V variant (also known as c.34A>G), located in coding exon 1 of the TFG gene, results from an A to G substitution at nucleotide position 34. The isoleucine at codon 12 is replaced by valine, an amino acid with highly similar properties. This amino acid position is highly conserved in available vertebrate species. In addition, this alteration is predicted to be tolerated by in silico analysis. Since supporting evidence is limited at this time, the clinical significance of this alteration remains unclear.

NM_006070.6(TFG):c.34A>G (p.Ile12Val)

Gene: TFG (trafficking from ER to golgi regulator; plus strand). Cytogenetic location: 3q12.2.
Variant type: single nucleotide variant.
Coding change: c.34A>G on transcript NM_006070.6 (MANE Select); coding-DNA position 34, A replaced by G.
Protein change: p.Ile12Val; replaces isoleucine 12 with valine.
Molecular consequence: missense variant.
Genome position (GRCh38, 1-based): chr3:100,713,719, A>G. VCF-style: chr3-100713719-A-G. GRCh37 (hg19) VCF-style: chr3-100432563-A-G.
Other names: c.34A>G, p.Ile12Val (NM_001007565.2, NM_001195478.2, NM_001195479.2); short protein forms I12V.
Identifiers: ClinVar variation 1054786 (VCV001054786.11), dbSNP rs2149057606, ClinGen allele CA353836704.